The following is an entry in ClinVar:

NM_000540.3(RYR1):c.10601C>T (p.Thr3534Met)

Gene: RYR1 (ryanodine receptor 1; plus strand). Cytogenetic location: 19q13.2.
Variant type: single nucleotide variant.
Coding change: c.10601C>T on transcript NM_000540.3 (MANE Select); coding-DNA position 10601, C replaced by T.
Protein change: p.Thr3534Met; replaces threonine 3534 with methionine.
Molecular consequence: missense variant.
Genome position (GRCh38, 1-based): chr19:38,525,477, C>T. VCF-style: chr19-38525477-C-T. GRCh37 (hg19) VCF-style: chr19-39016117-C-T.
Other names: c.10586C>T, p.Thr3529Met (NM_001042723.2); short protein forms T3529M, T3534M.
Identifiers: ClinVar variation 938773 (VCV000938773.11), dbSNP rs146914779, ClinGen allele CA054092.

ClinVar aggregate classification (germline): Uncertain significance. Review status: criteria provided, multiple submitters, no conflicts (2 of 4 stars). 5 submissions from 5 submitters: Uncertain significance (5). Last evaluated 2025-10-13.

Conditions:
Congenital myopathy with fiber type disproportion. Also called: Congenital fiber-type disproportion myopathy; Congenital fiber-type disproportion. Identifiers: Orphanet 2020, MedGen C0546264, MONDO:0009711. Inheritance: all.
Congenital multicore myopathy with external ophthalmoplegia (CMYO1B). Also called: MULTICORE MYOPATHY; Minicore myopathy with external ophthalmoplegia; Congenital myopathy 1B, autosomal recessive; Minicore myopathy; MULTIMINICORE DISEASE WITH EXTERNAL OPHTHALMOPLEGIA. Identifiers: Orphanet 598, Orphanet 98905, MedGen C1850674, MONDO:0009712, OMIM 255320, HP:0003789.
King Denborough syndrome (KDS). Identifiers: MedGen C1840365, MONDO:0020485, OMIM 619542.
Malignant hyperthermia, susceptibility to, 1 (MHS1). Also called: Anesthesia related hyperthermia; Malignant hyperpyrexia; Fulminating hyperpyrexia; Pharmacogenic myopathy; RYR1-Related Malignant Hyperthermia Susceptibility; Malignant hyperthermia suceptibility 1. Identifiers: Orphanet 423, MedGen C2930980, MONDO:0007783, OMIM 145600.
Central core myopathy (CMYO1A). Also called: CONGENITAL MYOPATHY 1A, AUTOSOMAL DOMINANT, WITH SUSCEPTIBILITY TO MALIGNANT HYPERTHERMIA; Central core disease; Myopathy, central fibrillar. Identifiers: Orphanet 597, MedGen C5830701, MONDO:0007294, OMIM 117000.
RYR1-related disorder. Also called: RYR1-related condition; RYR1-related disorders. Identifiers: MedGen CN239331.

Allele frequency attached by ClinVar (database versions not stated): ExAC 0.00003; TOPMed 0.00003; gnomAD exomes 0.00004; gnomAD 0.00006; ESP Exome Variant Server 0.00008.
gnomAD v4.1: 71 of 1,613,872 alleles (0.0044%); highest among the groups gnomAD compares: Non-Finnish European, 0.0054%; no homozygotes.

Submissions (5):

PreventionGenetics, part of Exact Sciences
Classification: Uncertain significance for RYR1-related condition. Last evaluated: 2025-10-13. Review status: criteria provided, single submitter. Criteria: ACMG Guidelines, 2015. Collection method: clinical testing. Allele origin: germline.
Comment: The RYR1 c.10601C>T variant is predicted to result in the amino acid substitution p.Thr3534Met. To our knowledge, this variant has not been reported in the literature. This variant is reported in 0.010% of alleles in individuals of European (Non-Finnish) descent in gnomAD. At this time, the clinical significance of this variant is uncertain due to the absence of conclusive functional and genetic evidence.

Labcorp Genetics (formerly Invitae), Labcorp
Classification: Uncertain significance for RYR1-related disorder. Last evaluated: 2024-08-01. Review status: criteria provided, single submitter. Criteria: Invitae Variant Classification Sherloc (09022015). Collection method: clinical testing. Allele origin: germline.
Comment: This sequence change replaces threonine, which is neutral and polar, with methionine, which is neutral and non-polar, at codon 3534 of the RYR1 protein (p.Thr3534Met). This variant is present in population databases (rs146914779, gnomAD 0.008%). This variant has not been reported in the literature in individuals affected with RYR1-related conditions. ClinVar contains an entry for this variant (Variation ID: 938773). Advanced modeling of protein sequence and biophysical properties (such as structural, functional, and spatial information, amino acid conservation, physicochemical variation, residue mobility, and thermodynamic stability) performed at Invitae indicates that this missense variant is not expected to disrupt RYR1 protein function with a negative predictive value of 95%. In summary, the available evidence is currently insufficient to determine the role of this variant in disease. Therefore, it has been classified as a Variant of Uncertain Significance.

All of Us Research Program, National Institutes of Health
Classification: Uncertain significance for Malignant hyperthermia, susceptibility to, 1. Last evaluated: 2024-06-17. Review status: criteria provided, single submitter. Criteria: ACMG Guidelines, 2015. Collection method: clinical testing. Allele origin: germline. Inheritance: Autosomal dominant inheritance. Observed: 12 variant alleles, 12 heterozygotes.
Comment: This missense variant replaces threonine with methionine at codon 3534 of the RYR1 protein. Computational prediction suggests that this variant may not impact protein structure and function (internally defined REVEL score threshold <= 0.5, PMID: 27666373). To our knowledge, functional studies have not been reported for this variant. This variant has not been reported in individuals affected with RYR1-related disorders in the literature. This variant has been identified in 16/282288 chromosomes in the general population by the Genome Aggregation Database (gnomAD). The available evidence is insufficient to determine the role of this variant in disease conclusively. Therefore, this variant is classified as a Variant of Uncertain Significance.

This study involves interpretation of variants in research participants for the purpose of population health screening. Participant phenotype was not available at the time of variant classification. Additional details can be found in publication PMID: 35346344, PMCID: PMC8962531

Color Diagnostics, LLC DBA Color Health
Classification: Uncertain significance for Malignant hyperthermia, susceptibility to, 1. Last evaluated: 2024-03-06. Review status: criteria provided, single submitter. Criteria: ACMG Guidelines, 2015. Collection method: clinical testing. Allele origin: germline.
Comment: This missense variant replaces threonine with methionine at codon 3534 of the RYR1 protein. Computational prediction suggests that this variant may not impact protein structure and function. To our knowledge, functional studies have not been reported for this variant. This variant has not been reported in individuals affected with RYR1-related disorders in the literature. This variant has been identified in 16/282288 chromosomes in the general population by the Genome Aggregation Database (gnomAD). The available evidence is insufficient to determine the role of this variant in disease conclusively. Therefore, this variant is classified as a Variant of Uncertain Significance.

Fulgent Genetics
Classification: Uncertain significance for Central core myopathy; Malignant hyperthermia, susceptibility to, 1; Congenital myopathy 4A, autosomal dominant; Congenital multicore myopathy with external ophthalmoplegia; King Denborough syndrome. Last evaluated: 2021-11-20. Review status: criteria provided, single submitter. Criteria: ACMG Guidelines, 2015. Collection method: clinical testing. Allele origin: unknown.